The following is an entry in ClinVar:

NM_000810.4(GABRA5):c.693G>A (p.Thr231=)

Gene: GABRA5 (gamma-aminobutyric acid type A receptor subunit alpha5; plus strand). Cytogenetic location: 15q12.
Variant type: single nucleotide variant.
Coding change: c.693G>A on transcript NM_000810.4 (MANE Select); coding-DNA position 693, G replaced by A.
Protein change: p.Thr231=; no amino-acid change (threonine 231 retained).
Molecular consequence: synonymous variant.
Genome position (GRCh38, 1-based): chr15:26,937,297, G>A. VCF-style: chr15-26937297-G-A. GRCh37 (hg19) VCF-style: chr15-27182444-G-A.
Other names: c.693G>A, p.Thr231= (NM_001165037.2).
Identifiers: ClinVar variation 2578728 (VCV002578728.25), dbSNP rs374318313, ClinGen allele CA7437869.

ClinVar aggregate classification (germline): Likely benign (1 of 4 stars; one submission).

Allele frequency attached by ClinVar (database versions not stated): gnomAD exomes 0.00003; gnomAD 0.00006; ExAC 0.00008; ESP Exome Variant Server 0.00008; TOPMed 0.00008.
gnomAD v4.1: 55 of 1,613,254 alleles (0.0034%); highest among the groups gnomAD compares: East Asian, 0.011%; no homozygotes.

Submission:

CeGaT Center for Human Genetics Tuebingen
Classification: Likely benign. Last evaluated: 2024-11-01. Review status: criteria provided, single submitter. Criteria: CeGaT Center For Human Genetics Tuebingen Variant Classification Criteria Version 2. Collection method: clinical testing. Allele origin: germline. Affected: yes. Observed: 2 variant alleles.
Comment: GABRA5: BP4, BP7